The following is an entry in ClinVar:

NM_031942.5(CDCA7):c.761G>T (p.Arg254Leu)

Gene: CDCA7 (cell division cycle associated 7; plus strand). Cytogenetic location: 2q31.1.
Variant type: single nucleotide variant.
Coding change: c.761G>T on transcript NM_031942.5 (MANE Select); coding-DNA position 761, G replaced by T.
Protein change: p.Arg254Leu; replaces arginine 254 with leucine.
Molecular consequence: missense variant.
Genome position (GRCh38, 1-based): chr2:173,364,856, G>T. VCF-style: chr2-173364856-G-T. GRCh37 (hg19) VCF-style: chr2-174229584-G-T.
Other names: c.524G>T, p.Arg175Leu (NM_145810.3); short protein forms R175L, R254L.
Identifiers: ClinVar variation 1303865 (VCV001303865.6), dbSNP rs200556185, ClinGen allele CA1971328.

ClinVar aggregate classification (germline): Uncertain significance. Review status: criteria provided, multiple submitters, no conflicts (2 of 4 stars). 3 submissions from 3 submitters: Uncertain significance (3). Last evaluated 2022-05-17.

Submissions (3):

Women's Health and Genetics/Laboratory Corporation of America, LabCorp
Classification: Uncertain significance. Last evaluated: 2022-05-17. Review status: criteria provided, single submitter. Criteria: LabCorp Variant Classification Summary - May 2015. Collection method: clinical testing. Allele origin: germline.
Comment: Variant summary: CDCA7 c.761G>T (p.Arg254Leu) results in a non-conservative amino acid change in the encoded protein sequence. Five of five in-silico tools predict a damaging effect of the variant on protein function. The variant allele was found at a frequency of 1.2e-05 in 247054 control chromosomes (gnomAD). The available data on variant occurrences in the general population are insufficient to allow any conclusion about variant significance. To our knowledge, no occurrence of c.761G>T in individuals affected with ICF Syndrome, Type 3 and no experimental evidence demonstrating its impact on protein function have been reported. One ClinVar submitter (evaluation after 2014) cites the variant as uncertain significance. Based on the evidence outlined above, the variant was classified as uncertain significance.

Labcorp Genetics (formerly Invitae), Labcorp
Classification: Uncertain significance. Last evaluated: 2021-12-29. Review status: criteria provided, single submitter. Criteria: Invitae Variant Classification Sherloc (09022015). Collection method: clinical testing. Allele origin: germline.
Comment: This sequence change replaces arginine, which is basic and polar, with leucine, which is neutral and non-polar, at codon 254 of the CDCA7 protein (p.Arg254Leu). This variant is present in population databases (rs200556185, gnomAD 0.003%). This variant has not been reported in the literature in individuals affected with CDCA7-related conditions. ClinVar contains an entry for this variant (Variation ID: 1303865). Algorithms developed to predict the effect of missense changes on protein structure and function are either unavailable or do not agree on the potential impact of this missense change (SIFT: "Deleterious"; PolyPhen-2: "Possibly Damaging"; Align-GVGD: "Class C0"). In summary, the available evidence is currently insufficient to determine the role of this variant in disease. Therefore, it has been classified as a Variant of Uncertain Significance.

GeneDx
Classification: Uncertain significance. Last evaluated: 2019-07-22. Review status: criteria provided, single submitter. Criteria: GeneDx Variant Classification Process June 2021. Collection method: clinical testing. Allele origin: germline. Affected: yes.
Comment: In silico analysis, which includes protein predictors and evolutionary conservation, supports a deleterious effect; Has not been previously published as pathogenic or benign to our knowledge